The following is an entry in ClinVar:

ClinVar aggregate classification (germline): Uncertain significance. Review status: criteria provided, multiple submitters, no conflicts (2 of 4 stars). 2 submissions from 2 submitters: Uncertain significance (2). Last evaluated 2025-12-02.

Allele frequency attached by ClinVar (database versions not stated): TOPMed 0.00001; gnomAD exomes 0.00002; ExAC 0.00001.
gnomAD v4.1: 23 of 1,595,906 alleles (0.0014%); highest among the groups gnomAD compares: Admixed American, 0.014%; no homozygotes.

Submissions (2):

Ambry Genetics
Classification: Uncertain significance. Last evaluated: 2025-12-02. Review status: criteria provided, single submitter. Criteria: Ambry Variant Classification Scheme 2023. Collection method: clinical testing. Allele origin: germline.

Labcorp Genetics (formerly Invitae), Labcorp
Classification: Uncertain significance. Last evaluated: 2022-07-25. Review status: criteria provided, single submitter. Criteria: Invitae Variant Classification Sherloc (09022015). Collection method: clinical testing. Allele origin: germline.
Comment: This sequence change replaces glutamic acid, which is acidic and polar, with lysine, which is basic and polar, at codon 444 of the CCDC88A protein (p.Glu444Lys). This variant is present in population databases (rs755554752, gnomAD 0.003%). This variant has not been reported in the literature in individuals affected with CCDC88A-related conditions. ClinVar contains an entry for this variant (Variation ID: 1523507). Algorithms developed to predict the effect of missense changes on protein structure and function (SIFT, PolyPhen-2, Align-GVGD) all suggest that this variant is likely to be tolerated. In summary, the available evidence is currently insufficient to determine the role of this variant in disease. Therefore, it has been classified as a Variant of Uncertain Significance.

NM_001365480.1(CCDC88A):c.1330G>A (p.Glu444Lys)

Gene: CCDC88A (coiled-coil and HOOK domain protein 88A; minus strand). Cytogenetic location: 2p16.1.
Variant type: single nucleotide variant.
Coding change: c.1330G>A on transcript NM_001365480.1 (MANE Select); coding-DNA position 1330, G replaced by A.
Protein change: p.Glu444Lys; replaces glutamic acid 444 with lysine.
Molecular consequence: missense variant.
Genome position (GRCh38, 1-based): chr2:55,343,651, C>T on the plus strand (G>A on the coding strand, the complement: CCDC88A is on the minus strand). VCF-style: chr2-55343651-C-T. GRCh37 (hg19) VCF-style: chr2-55570787-C-T.
Other names: c.1330G>A (NM_001135597.1); c.1330G>A, p.Glu444Lys (NM_001135597.2, NM_001254943.2, NM_018084.5); short protein forms E444K.
Identifiers: ClinVar variation 1523507 (VCV001523507.4), dbSNP rs755554752, ClinGen allele CA1666181.